The following is an entry in ClinVar:

ClinVar aggregate classification (germline): Pathogenic (1 of 4 stars; one submission).

Submission:

Labcorp Genetics (formerly Invitae), Labcorp
Classification: Pathogenic. Last evaluated: 2022-07-29. Review status: criteria provided, single submitter. Criteria: Invitae Variant Classification Sherloc (09022015). Collection method: clinical testing. Allele origin: germline.
Comment: This sequence change creates a premature translational stop signal (p.Pro94Glnfs*10) in the XPA gene. It is expected to result in an absent or disrupted protein product. Loss-of-function variants in XPA are known to be pathogenic (PMID: 27607234). This variant is not present in population databases (gnomAD no frequency). This variant has not been reported in the literature in individuals affected with XPA-related conditions. ClinVar contains an entry for this variant (Variation ID: 1357953). For these reasons, this variant has been classified as Pathogenic.

Literature cited by the submitters: PubMed 27607234.

NM_000380.4(XPA):c.281del (p.Pro94fs)

Gene: XPA (XPA, DNA damage recognition and repair factor; minus strand). Cytogenetic location: 9q22.33.
Variant type: Deletion.
Coding change: c.281del on transcript NM_000380.4 (MANE Select); coding-DNA position 281, one base deleted (C; older notation c.281delC).
Protein change: p.Pro94fs; shifts the reading frame from proline 94.
Molecular consequence: frameshift variant. On other transcripts: non-coding transcript variant (5).
Genome position (GRCh38, 1-based): chr9:97,693,651, G deleted on the plus strand (C on the coding strand, the reverse complement: XPA is on the minus strand); the first of 2 consecutive G bases (chr9:97,693,651-97,693,652); deleting either gives the same sequence. VCF-style (leftmost placement, unchanged base first): chr9-97693650-TG-T. GRCh37 (hg19) VCF-style: chr9-100455932-TG-T.
Other names: c.155del, p.Pro52fs (NM_001354975.2); short protein forms P94fs, P52fs.
Identifiers: ClinVar variation 1357953 (VCV001357953.6), dbSNP rs2131405964, ClinGen allele CA2573144800.
Genomic context (GRCh38, chr9:97,693,650, plus strand): 5'-TTATGCATGTTACTCAAAATAACCAATCTAGATACTTATTTTTGAAAAACTCACTTTACC[TG>T]GTTGATGAACAACTTTTCCAATTTTCTGTTCTTCTTCTTCTTCCTCTTCTAAAATGAAGC-3'